The following is an entry in ClinVar:

ClinVar aggregate classification (germline): Pathogenic/Likely pathogenic. Review status: criteria provided, multiple submitters, no conflicts (2 of 4 stars). 9 submissions from 9 submitters: Pathogenic (7); Likely pathogenic (1). 1 of the submissions does not count toward it. Last evaluated 2026-03-18.

Conditions:
Hb SS disease (SCD). Also called: Sickle cell anemia; Sickle cell disease; HbS disease; Hemoglobin S Disease; Sickling disorder due to hemoglobin S; Hemoglobin SS. Identifiers: Orphanet 232, Orphanet 275752, MedGen C0002895, MONDO:0011382, OMIM 603903.
beta Thalassemia (BTHAL). Also called: Cooley's anemia; Erythroblastic anemia; Mediterranean anemia. Identifiers: Orphanet 848, MedGen C0005283, MONDO:0019402. Disease mechanism: loss of function.
HBB-related disorder. Also called: HBB-related disorders; HBB-related condition. Identifiers: MedGen CN239378.

Submissions (9):

PreventionGenetics, part of Exact Sciences
Classification: Pathogenic for HBB-related condition. Last evaluated: 2026-03-18. Review status: criteria provided, single submitter. Criteria: ACMG Guidelines, 2015. Collection method: clinical testing. Allele origin: germline.
Comment: The HBB c.68_74del7 variant is predicted to result in a frameshift and premature protein termination (p.Glu23Valfs*37). This variant has been reported in individuals with beta thalassemia (see for example: described as frameshift 22/23/24 ‑AAGTTGG in Tagiev et al. 1993. PubMed ID: 8318994; Ozalp and Anlas. 2024. PubMed ID: 38708170). This variant has not been reported in a large population database (gnomAD), indicating this variant is rare. Frameshift variants in HBB are expected to be pathogenic. This variant is interpreted as pathogenic.

Quest Diagnostics Nichols Institute San Juan Capistrano
Classification: Pathogenic. Last evaluated: 2024-06-25. Review status: criteria provided, single submitter. Criteria: Quest Diagnostics criteria. Collection method: clinical testing. Allele origin: unknown.
Comment: The HBB c.68_74del (p.Glu23Valfs*37) variant alters the translational reading frame of the HBB mRNA and causes the premature termination of HBB protein synthesis. This variant has been reported in the published literature in multiple individuals affected with phenotypes ranging from a severe beta thalassemia to thalassemia intermedia (PMIDs: 8226099 (1993), 8318994 (1993), 21232998 (2011), 23637309 (2013), and 27453201 (2016)). This variant has not been reported in large, multi-ethnic general populations (Genome Aggregation Database). Based on the available information, this variant is classified as pathogenic.

ARUP Laboratories, Molecular Genetics and Genomics, ARUP Laboratories
Classification: Pathogenic. Last evaluated: 2024-06-10. Review status: criteria provided, single submitter. Criteria: ARUP Molecular Germline Variant Investigation Process 2024. Collection method: clinical testing. Allele origin: germline.
Comment: The HBB c.68_74del; p.Glu23ValfsTer37 variant (also known as Codons 22/23/24 (-AAGTTGG) or as Glu22fs when numbered from the mature protein, rs281864898, ClinVar ID: 869360, HbVar ID: 803) is a beta(0) allele reported in the literature in several compound heterozygous individuals affected with beta thalassemia (Nadkarni 2009, Polat 2016, Tagiev 1993, HbVar database and references therein). This variant is absent from the Genome Aggregation Database (v2.1.1), indicating it is not a common polymorphism. This variant causes a frameshift by deleting seven nucleotides, so it is predicted to result in a truncated protein or mRNA subject to nonsense-mediated decay. Based on available information, this variant is considered to be pathogenic. References: Link to HbVar database: Nadkarni A et al. Hematological and molecular analysis of novel and rare beta-thalassemia mutations in the Indian population. Hemoglobin. 2009;33(1):59-65. PMID: 19205975. Polat C et al. Codon 8 (-AA) and Codons 22/23/24 (-AAGTTGG) Compound Heterozygous Deletion Mutation in the Beta-Globin Gene: The First Report in Turkey. Open Access Lib J. 2016;3:1-4. Tagiev AF et al. The spectrum of beta-thalassemia mutations in Azerbaijan. Hum Mutat. 1993;2(2):152-4. PMID: 8318994.

Natera, Inc.
Classification: Pathogenic for Beta thalassemia. Last evaluated: 2024-03-11. Review status: criteria provided, single submitter. Criteria: Natera Variant Classification Schema (03/2026). Collection method: clinical testing. Allele origin: germline.
Comment: The c.68_74delAAGTTGG variant in HBB is a frameshift variant predicted to shift the reading frame beginning at codon 23 and leads to a stop codon 37 codons downstream. This variant is expected to result in nonsense mediated decay, truncation, or a dysfunctional protein product. This variant is rare in the general population with a frequency below the threshold expected for the associated phenotype(s). This variant has been observed in one or more individuals affected with the associated recessive disease, as either homozygous or compound heterozygous with a second variant (PMID: 9140720, 17994378). Given the available evidence, this variant is classified as Pathogenic.

Women's Health and Genetics/Laboratory Corporation of America, LabCorp
Classification: Pathogenic for beta Thalassemia. Last evaluated: 2024-01-17. Review status: criteria provided, single submitter. Criteria: LabCorp Variant Classification Summary - May 2015. Collection method: clinical testing. Allele origin: germline.
Comment: Variant summary: HBB c.68_74delAAGTTGG (p.Glu23ValfsX37) results in a premature termination codon and is predicted to cause absence of the protein due to nonsense mediated decay, a commonly known mechanism for disease. The variant was absent in 251294 control chromosomes (gnomAD). c.68_74delAAGTTGG has been reported in the literature in individuals affected with Beta Thalassemia (e.g. Neishabury_2011). These data indicate that the variant is very likely associated with disease. To our knowledge, no experimental evidence demonstrating an impact on protein function has been reported. The following publication has been ascertained in the context of this evaluation (PMID: 21232998). ClinVar contains an entry for this variant (Variation ID: 869360). Based on the evidence outlined above, the variant was classified as pathogenic.

Labcorp Genetics (formerly Invitae), Labcorp
Classification: Pathogenic. Last evaluated: 2023-11-17. Review status: criteria provided, single submitter. Criteria: Invitae Variant Classification Sherloc (09022015). Collection method: clinical testing. Allele origin: germline.
Comment: This sequence change creates a premature translational stop signal (p.Glu23Valfs*37) in the HBB gene. It is expected to result in an absent or disrupted protein product. Loss-of-function variants in HBB are known to be pathogenic (PMID: 23637309). This variant is not present in population databases (gnomAD no frequency). This premature translational stop signal has been observed in individual(s) with clinical features of autosomal recessive beta-thalassemia (PMID: 21232998). ClinVar contains an entry for this variant (Variation ID: 869360). For these reasons, this variant has been classified as Pathogenic.

Blueprint Genetics
Classification: Likely pathogenic for HBB-related disorders. Last evaluated: 2021-03-16. Review status: criteria provided, single submitter. Criteria: ACMG Guidelines, 2015. Collection method: clinical testing. Allele origin: germline. Affected: yes. Observed: 1 variant allele.

Kariminejad - Najmabadi Pathology & Genetics Center
Classification: Pathogenic for Hb SS disease. Review status: criteria provided, single submitter. Criteria: ACMG Guidelines, 2015. Collection method: clinical testing. Allele origin: germline. Affected: no.

The ITHANET community portal, The Cyprus Institute of Neurology and Genetics
Classification: Pathogenic for beta Thalassemia. Last evaluated: 2019-11-25. Review status: no assertion criteria provided. Collection method: curation. Allele origin: germline. Not counted in ClinVar's aggregate classification.

Literature cited by the submitters: PubMed 8226099 (cited by Quest Diagnostics Nichols Institute San Juan Capistrano and The ITHANET community portal, The Cyprus Institute of Neurology and Genetics); PubMed 8318994 (cited by Quest Diagnostics Nichols Institute San Juan Capistrano); PubMed 23637309 (cited by Quest Diagnostics Nichols Institute San Juan Capistrano and Labcorp Genetics (formerly Invitae), Labcorp); PubMed 21232998 (cited by 3 submitters); PubMed 27453201 (cited by Quest Diagnostics Nichols Institute San Juan Capistrano); PubMed 9140720 (cited by Natera, Inc.); PubMed 17994378 (cited by Natera, Inc.).

NM_000518.5(HBB):c.68_74del (p.Glu23fs)

Genes: HBB (hemoglobin subunit beta; minus strand), LOC106099062 (HBB recombination region; plus strand), LOC107133510 (origin of replication at HBB; plus strand). Cytogenetic location: 11p15.4.
Variant type: Deletion.
Coding change: c.68_74del on transcript NM_000518.5 (MANE Select); coding-DNA positions 68 to 74, 7 bases deleted (AAGTTGG; older notation c.68_74delAAGTTGG).
Protein change: p.Glu23fs; shifts the reading frame from glutamic acid 23.
Molecular consequence: frameshift variant.
Genome position (GRCh38, 1-based): chr11:5,226,948-5,226,954, CCAACTT deleted on the plus strand (AAGTTGG on the coding strand, the reverse complement: HBB is on the minus strand); deleting any 7 consecutive bases within chr11:5,226,948-5,226,955 gives the same sequence; the c. name uses the placement nearest the transcript's 3' end. VCF-style (leftmost placement, unchanged base first): chr11-5226947-ACCAACTT-A. GRCh37 (hg19) VCF-style: chr11-5248177-ACCAACTT-A.
Other names: CD 22-24 ( -7 bp): (-AAGTTGG); c.68_74del (NM_000518.4); c.68_74delAAGTTGG (NM_000518.5); c.68_74del7 (NM_000518.4); short protein forms E23fs.
Identifiers: ClinVar variation 869360 (VCV000869360.11), dbSNP rs281864898, ClinGen allele CA217115218.